The following is an entry in ClinVar:

NM_001927.4(DES):c.532G>A (p.Val178Ile)

Gene: DES (desmin; plus strand). Cytogenetic location: 2q35.
Variant type: single nucleotide variant.
Coding change: c.532G>A on transcript NM_001927.4 (MANE Select); coding-DNA position 532, G replaced by A.
Protein change: p.Val178Ile; replaces valine 178 with isoleucine.
Molecular consequence: missense variant. On other transcripts: intron variant (1).
Genome position (GRCh38, 1-based): chr2:219,418,994, G>A. VCF-style: chr2-219418994-G-A. GRCh37 (hg19) VCF-style: chr2-220283716-G-A.
Other names: c.532G>A, p.Val178Ile (NM_001382708.1, NM_001382709.1, NM_001382710.1 and 2 more transcripts); c.495+37G>A (NM_001382713.1); short protein forms V178I.
Identifiers: ClinVar variation 4959978 (VCV004959978.2).

ClinVar aggregate classification (germline): Uncertain significance. Review status: criteria provided, multiple submitters, no conflicts (2 of 4 stars). 2 submissions from 2 submitters: Uncertain significance (2). Last evaluated 2026-07-04.

Conditions:
Cardiovascular phenotype. Identifiers: MedGen CN230736.

Submissions (2):

Ambry Genetics
Classification: Uncertain significance for Cardiovascular phenotype. Last evaluated: 2026-07-04. Review status: criteria provided, single submitter. Criteria: Ambry Variant Classification Scheme 2023. Collection method: clinical testing. Allele origin: germline.
Comment: The p.V178I variant (also known as c.532G>A), located in coding exon 1 of the DES gene, results from a G to A substitution at nucleotide position 532. The valine at codon 178 is replaced by isoleucine, an amino acid with highly similar properties. This amino acid position is conserved. In addition, this alteration is predicted to be tolerated by in silico analysis. Based on the available evidence, the clinical significance of this variant remains unclear.

Blueprint Genetics
Classification: Uncertain significance. Last evaluated: 2021-07-08. Review status: criteria provided, single submitter. Criteria: ACMG Guidelines, 2015. Collection method: clinical testing. Allele origin: germline.